The following is an entry in ClinVar:

NM_001035.3(RYR2):c.6800G>A (p.Arg2267His)

Gene: RYR2 (ryanodine receptor 2; plus strand). Cytogenetic location: 1q43.
Variant type: single nucleotide variant.
Coding change: c.6800G>A on transcript NM_001035.3 (MANE Select); coding-DNA position 6800, G replaced by A.
Protein change: p.Arg2267His; replaces arginine 2267 with histidine.
Molecular consequence: missense variant.
Genome position (GRCh38, 1-based): chr1:237,638,364, G>A. VCF-style: chr1-237638364-G-A. GRCh37 (hg19) VCF-style: chr1-237801664-G-A.
Other names: c.6800G>A, p.Arg2267His (LRG_402t1); short protein forms R2267H.
Identifiers: ClinVar variation 642589 (VCV000642589.21), dbSNP rs759012078, ClinGen allele CA087228.
Genomic context (GRCh38, chr1:237,638,364, plus strand): 5'-TCTAATGAGTTTTCAGCCAAGGGATAACTCTTTGTTAATCATGTTGTTTGCAGGTAGTTC[G>A]TTATTTGGCTGGTTGTGGACTGCAAAGTTGCCAGATGCTGGTGTCTAAGGGCTATCCAGA-3'
Protein context (NP_001026.2, residues 2257-2277): LREPDLEKVV[Arg2267His]YLAGCGLQSC

ClinVar aggregate classification (germline): Conflicting classifications of pathogenicity. Review status: criteria provided, conflicting classifications (1 of 4 stars). 5 submissions from 5 submitters: Pathogenic (1); Uncertain significance (3); Likely benign (1). Last evaluated 2026-01-28.

Conditions:
Catecholaminergic polymorphic ventricular tachycardia (CVPT). Also called: Catecholamine-induced polymorphic ventricular tachycardia. Identifiers: Orphanet 3286, MedGen C5574922, MONDO:0017990.
Cardiovascular phenotype. Identifiers: MedGen CN230736.
Cardiomyopathy (CMYO). Also called: Cardiomyopathies. Identifiers: Orphanet 167848, MedGen C0878544, MONDO:0004994, HP:0001638. Inheritance: Various modes of inheritance.
Catecholaminergic polymorphic ventricular tachycardia 1. Also called: RYR2-Related Catecholaminergic Polymorphic Ventricular Tachycardia; VENTRICULAR TACHYCARDIA, STRESS-INDUCED POLYMORPHIC 1; VENTRICULAR TACHYCARDIA, CATECHOLAMINERGIC POLYMORPHIC, 1, WITH OR WITHOUT ATRIAL DYSFUNCTION AND/OR DILATED CARDIOMYOPATHY. Identifiers: Orphanet 3286, MedGen C1631597, MONDO:0011484, OMIM 604772.

Allele frequency attached by ClinVar (database versions not stated): gnomAD 0.00002; TOPMed 0.00002; ExAC 0.00003; gnomAD exomes 0.00003.
gnomAD v4.1: 43 of 1,613,728 alleles (0.0027%); highest among the groups gnomAD compares: South Asian, 0.0066%; no homozygotes.

Submissions (5):

Labcorp Genetics (formerly Invitae), Labcorp
Classification: Likely benign for Catecholaminergic polymorphic ventricular tachycardia 1. Last evaluated: 2026-01-28. Review status: criteria provided, single submitter. Criteria: Invitae Variant Classification Sherloc (09022015). Collection method: clinical testing. Allele origin: germline.

All of Us Research Program, National Institutes of Health
Classification: Uncertain significance for Catecholaminergic polymorphic ventricular tachycardia. Last evaluated: 2024-08-06. Review status: criteria provided, single submitter. Criteria: ACMG Guidelines, 2015. Collection method: clinical testing. Allele origin: germline. Inheritance: Autosomal dominant inheritance. Observed: 3 variant alleles, 3 heterozygotes.
Comment: This missense variant replaces arginine with histidine at codon 2267 of the RYR2 protein. Computational prediction is inconclusive regarding the impact of this variant on protein structure and function (internally defined REVEL score threshold 0.5 < inconclusive < 0.7, PMID: 27666373). A functional study has shown that the mutant protein exhibits normal calcium channel function under basal conditions but shows significantly increased activity during stress (PMID: 17556193). This variant has been reported in an individual affected with sudden infant death syndrome (PMID: 17556193). This variant has also been reported in 5 related individuals who had have had negative exercise stress tests, echocardiograms and Holter monitors, suggesting that this variant may lack pathogenicity (PMID: 32220801). This variant has been identified in 7/246002 chromosomes in the general population by the Genome Aggregation Database (gnomAD). The available evidence is insufficient to determine the role of this variant in disease conclusively. Therefore, this variant is classified as a Variant of Uncertain Significance.

This study involves interpretation of variants in research participants for the purpose of population health screening. Participant phenotype was not available at the time of variant classification. Additional details can be found in publication PMID: 35346344, PMCID: PMC8962531

Ambry Genetics
Classification: Uncertain significance for Cardiovascular phenotype. Last evaluated: 2024-02-16. Review status: criteria provided, single submitter. Criteria: Ambry Variant Classification Scheme 2023. Collection method: clinical testing. Allele origin: germline.
Comment: The p.R2267H variant (also known as c.6800G>A), located in coding exon 45 of the RYR2 gene, results from a G to A substitution at nucleotide position 6800. The arginine at codon 2267 is replaced by histidine, an amino acid with highly similar properties. This alteration has been reported in a sudden infant death cohort; however, clinical details were limited (Tester DJ et al. Heart Rhythm, 2007 Jun;4:733-9). This amino acid position is not well conserved in available vertebrate species. In addition, this alteration is predicted to be deleterious by in silico analysis. Based on the available evidence, the clinical significance of this alteration remains unclear.

Color Diagnostics, LLC DBA Color Health
Classification: Uncertain significance for Cardiomyopathy. Last evaluated: 2023-11-30. Review status: criteria provided, single submitter. Criteria: ACMG Guidelines, 2015. Collection method: clinical testing. Allele origin: germline.
Comment: This missense variant replaces arginine with histidine at codon 2267 of the RYR2 protein. Computational prediction tools indicate that this variant's impact on protein structure and function is inconclusive. A functional study has shown that the mutant protein exhibits normal calcium channel function under basal conditions but shows significantly increased activity during stress (PMID: 17556193). This variant has been reported in an individual affected with sudden infant death syndrome (PMID: 17556193). This variant has also been reported in 5 related individuals who had have had negative exercise stress tests, echocardiograms and Holter monitors, suggesting that this variant may lack pathogenicity (PMID: 32220801). This variant has been identified in 7/246002 chromosomes in the general population by the Genome Aggregation Database (gnomAD). The available evidence is insufficient to determine the role of this variant in disease conclusively. Therefore, this variant is classified as a Variant of Uncertain Significance.

Genetic Services Laboratory, University of Chicago
Classification: Pathogenic. Last evaluated: 2019-02-12. Review status: criteria provided, single submitter. Criteria: ACMG Guidelines, 2015. Collection method: clinical testing. Allele origin: germline. Affected: yes.
Comment: DNA sequence analysis of the RYR2 gene demonstrated a sequence change, c.6800G>A, in exon 45 that results in an amino acid change, p.Arg2267His. This sequence change has been described in the gnomAD database with a low population frequency of 0.003% (dbSNP rs759012078). Tester, et al., 2007, performed functional analysis using RyR2-R2267H mutant HEK293 cells and demonstrated that the cells showed increased RyR2 channel activity with protein kinase A (PKA) phosphorylation, which simulated conditions of stress. The p.Arg2267His change affects a highly conserved amino acid residue located in the calstabin-2-binding domain of the RYR2 protein that is known to be functional. The p.Arg2267His substitution appears to be deleterious using several in-silico pathogenicity prediction tools (SIFT, PolyPhen2, Align GVGD, REVEL).

Literature cited by the submitters: PubMed 17556193 (cited by 3 submitters); PubMed 32220801 (cited by 3 submitters).